The following is an entry in ClinVar:

ClinVar aggregate classification (germline): Uncertain significance. Review status: criteria provided, multiple submitters, no conflicts (2 of 4 stars). 4 submissions from 4 submitters: Uncertain significance (4). Last evaluated 2024-04-20.

Conditions:
Inborn genetic diseases. Identifiers: MedGen C0950123, MeSH D030342.
Nephrotic syndrome, type 3 (NPHS3). Also called: NEPHROTIC SYNDROME, EARLY-ONSET, TYPE 3. Identifiers: Orphanet 656, MedGen C1853124, MONDO:0012546, OMIM 610725.

Allele frequency attached by ClinVar (database versions not stated): gnomAD 0.00015; ExAC 0.00017; TOPMed 0.00022; ESP Exome Variant Server 0.00024.
gnomAD v4.1: 517 of 1,614,018 alleles (0.032%); highest among the groups gnomAD compares: Non-Finnish European, 0.041%; 1 homozygote.

Submissions (4):

Fulgent Genetics
Classification: Uncertain significance for Nephrotic syndrome, type 3. Last evaluated: 2024-04-20. Review status: criteria provided, single submitter. Criteria: ACMG Guidelines, 2015. Collection method: clinical testing. Allele origin: germline.

Ambry Genetics
Classification: Uncertain significance for Inborn genetic diseases. Last evaluated: 2023-11-02. Review status: criteria provided, single submitter. Criteria: Ambry Variant Classification Scheme 2023. Collection method: clinical testing. Allele origin: germline.

CeGaT Center for Human Genetics Tuebingen
Classification: Uncertain significance. Last evaluated: 2023-07-01. Review status: criteria provided, single submitter. Criteria: CeGaT Center For Human Genetics Tuebingen Variant Classification Criteria Version 2. Collection method: clinical testing. Allele origin: germline. Affected: yes. Observed: 1 variant allele.
Comment: PLCE1: PM2, BP4

Labcorp Genetics (formerly Invitae), Labcorp
Classification: Uncertain significance. Last evaluated: 2022-08-16. Review status: criteria provided, single submitter. Criteria: Invitae Variant Classification Sherloc (09022015). Collection method: clinical testing. Allele origin: germline.
Comment: This variant is present in population databases (rs201350449, gnomAD 0.03%). This sequence change replaces arginine, which is basic and polar, with glutamine, which is neutral and polar, at codon 1116 of the PLCE1 protein (p.Arg1116Gln). In summary, the available evidence is currently insufficient to determine the role of this variant in disease. Therefore, it has been classified as a Variant of Uncertain Significance. Algorithms developed to predict the effect of missense changes on protein structure and function are either unavailable or do not agree on the potential impact of this missense change (SIFT: "Tolerated"; PolyPhen-2: "Possibly Damaging"; Align-GVGD: "Class C0"). This variant has not been reported in the literature in individuals affected with PLCE1-related conditions.

NM_016341.4(PLCE1):c.3347G>A (p.Arg1116Gln)

Gene: PLCE1 (phospholipase C epsilon 1; plus strand). Cytogenetic location: 10q23.33.
Variant type: single nucleotide variant.
Coding change: c.3347G>A on transcript NM_016341.4 (MANE Select); coding-DNA position 3347, G replaced by A.
Protein change: p.Arg1116Gln; replaces arginine 1116 with glutamine.
Molecular consequence: missense variant.
Genome position (GRCh38, 1-based): chr10:94,254,257, G>A. VCF-style: chr10-94254257-G-A. GRCh37 (hg19) VCF-style: chr10-96014014-G-A.
Other names: c.3347G>A (NM_016341.3); c.2423G>A, p.Arg808Gln (NM_001165979.2); c.3347G>A, p.Arg1116Gln (NM_001288989.2); short protein forms R1116Q, R808Q.
Identifiers: ClinVar variation 2171434 (VCV002171434.30), dbSNP rs201350449, ClinGen allele CA5612849.